The following is an entry in ClinVar:

ClinVar aggregate classification (germline): Uncertain significance. Review status: criteria provided, multiple submitters, no conflicts (2 of 4 stars). 2 submissions from 2 submitters: Uncertain significance (2). Last evaluated 2025-01-01.

Conditions:
Spermatogenic failure 18. Identifiers: MedGen C4539783, MONDO:0054615, OMIM 617576.
Ciliary dyskinesia, primary, 37 (CILD37). Also called: CILIARY DYSKINESIA, PRIMARY, 37, WITH OR WITHOUT SITUS INVERSUS. Identifiers: MedGen C4539798, MONDO:0033204, OMIM 617577.

Allele frequency attached by ClinVar (database versions not stated): gnomAD 0.00001 and 0.00002; gnomAD exomes 0.00002 and 0.00003; TOPMed 0.00002; ExAC 0.00004.
gnomAD v4.1: 27 of 1,613,796 alleles (0.0017%); highest among the groups gnomAD compares: South Asian, 0.012%; no homozygotes.

Submissions (2):

CeGaT Center for Human Genetics Tuebingen
Classification: Uncertain significance. Last evaluated: 2025-01-01. Review status: criteria provided, single submitter. Criteria: CeGaT Center For Human Genetics Tuebingen Variant Classification Criteria Version 2. Collection method: clinical testing. Allele origin: germline. Affected: yes. Observed: 1 variant allele.
Comment: DNAH1: PM2

Labcorp Genetics (formerly Invitae), Labcorp
Classification: Uncertain significance for Ciliary dyskinesia, primary, 37; Spermatogenic failure 18. Last evaluated: 2021-08-31. Review status: criteria provided, single submitter. Criteria: Invitae Variant Classification Sherloc (09022015). Collection method: clinical testing. Allele origin: germline.
Comment: This sequence change replaces arginine with glutamine at codon 1109 of the DNAH1 protein (p.Arg1109Gln). The arginine residue is highly conserved and there is a small physicochemical difference between arginine and glutamine. This variant is present in population databases (rs762291689, ExAC 0.01%). This variant has not been reported in the literature in individuals affected with DNAH1-related conditions. Algorithms developed to predict the effect of missense changes on protein structure and function (SIFT, PolyPhen-2, Align-GVGD) all suggest that this variant is likely to be disruptive. Algorithms developed to predict the effect of sequence changes on RNA splicing suggest that this variant may create or strengthen a splice site. In summary, the available evidence is currently insufficient to determine the role of this variant in disease. Therefore, it has been classified as a Variant of Uncertain Significance.

NM_015512.5(DNAH1):c.3326G>A (p.Arg1109Gln)

Gene: DNAH1 (dynein axonemal heavy chain 1; plus strand). Cytogenetic location: 3p21.1.
Variant type: single nucleotide variant.
Coding change: c.3326G>A on transcript NM_015512.5 (MANE Select); coding-DNA position 3326, G replaced by A.
Protein change: p.Arg1109Gln; replaces arginine 1109 with glutamine.
Molecular consequence: missense variant.
Genome position (GRCh38, 1-based): chr3:52,353,479, G>A. VCF-style: chr3-52353479-G-A. GRCh37 (hg19) VCF-style: chr3-52387495-G-A.
Other names: short protein forms R1109Q.
Identifiers: ClinVar variation 1057539 (VCV001057539.15), dbSNP rs762291689, ClinGen allele CA2433552.